The following is an entry in ClinVar:

NM_016327.3(UPB1):c.1086T>C (p.Tyr362=)

Gene: UPB1 (beta-ureidopropionase 1; plus strand). Cytogenetic location: 22q11.23.
Variant type: single nucleotide variant.
Coding change: c.1086T>C on transcript NM_016327.3 (MANE Select); coding-DNA position 1086, T replaced by C.
Protein change: p.Tyr362=; no amino-acid change (tyrosine 362 retained).
Molecular consequence: synonymous variant.
Genome position (GRCh38, 1-based): chr22:24,525,725, T>C. VCF-style: chr22-24525725-T-C. GRCh37 (hg19) VCF-style: chr22-24921693-T-C.
Identifiers: ClinVar variation 771786 (VCV000771786.15), dbSNP rs2232870, ClinGen allele CA10153488.

ClinVar aggregate classification (germline): Benign/Likely benign. Review status: criteria provided, multiple submitters, no conflicts (2 of 4 stars). 4 submissions from 4 submitters: Benign (3); Likely benign (1). Last evaluated 2026-01-21.

Conditions:
Deficiency of beta-ureidopropionase (UPB1D). Also called: Beta-ureidopropionase deficiency. Identifiers: Orphanet 65287, MedGen C1291512, MONDO:0013164, OMIM 613161.

Allele frequency attached by ClinVar (database versions not stated): 1000 Genomes Project 30x 0.00219; 1000 Genomes Project 0.00220; gnomAD exomes 0.00235; TOPMed 0.00242; ExAC 0.00258; gnomAD 0.00258 and 0.00273; ESP Exome Variant Server 0.00292.
gnomAD v4.1: 4,896 of 1,613,416 alleles (0.3%); highest among the groups gnomAD compares: Non-Finnish European, 0.36%; 10 homozygotes.

Submissions (4):

Labcorp Genetics (formerly Invitae), Labcorp
Classification: Benign. Last evaluated: 2026-01-21. Review status: criteria provided, single submitter. Criteria: Invitae Variant Classification Sherloc (09022015). Collection method: clinical testing. Allele origin: germline.

Blueprint Genetics
Classification: Likely benign. Last evaluated: 2024-11-28. Review status: criteria provided, single submitter. Criteria: ACMG Guidelines, 2015. Collection method: clinical testing. Allele origin: germline.

Illumina Laboratory Services, Illumina
Classification: Benign for Deficiency of beta-ureidopropionase. Last evaluated: 2017-04-27. Review status: criteria provided, single submitter. Criteria: ICSL Variant Classification Criteria 13 December 2019. Collection method: clinical testing. Allele origin: germline.
Comment: This variant was observed as part of a predisposition screen in an ostensibly healthy population. A literature search was performed for the gene, cDNA change, and amino acid change (where applicable). Publications were found based on this search. The evidence from the literature, in combination with allele frequency data from public databases where available, was sufficient to rule this variant out of causing disease. Therefore, this variant is classified as benign.

Breakthrough Genomics
Classification: Benign. Review status: criteria provided, single submitter. Criteria: ACMG Guidelines, 2015. Collection method: not provided. Allele origin: germline. Inheritance: Autosomal recessive inheritance. Affected: yes.

Literature cited by the submitters: PubMed 23238479 (cited by Illumina Laboratory Services, Illumina).